The following is an entry in ClinVar:

NM_000169.3(GLA):c.484_485del (p.Trp162fs)

Genes: GLA (galactosidase alpha; minus strand), RPL36A-HNRNPH2 (RPL36A-HNRNPH2 readthrough; plus strand). Cytogenetic location: Xq22.1.
Variant type: Deletion.
Coding change: c.484_485del on transcript NM_000169.3 (MANE Select); coding-DNA positions 484 to 485, 2 bases deleted (TG; older notation c.484_485delTG).
Protein change: p.Trp162fs; shifts the reading frame from tryptophan 162.
Molecular consequence: frameshift variant. On other transcripts: non-coding transcript variant (3), intron variant (2).
Genome position (GRCh38, 1-based): chrX:101,401,694-101,401,695, CA deleted on the plus strand (TG on the coding strand, the reverse complement: GLA is on the minus strand). VCF-style (leftmost placement, unchanged base first): chrX-101401693-CCA-C. GRCh37 (hg19) VCF-style: chrX-100656681-CCA-C.
Other names: c.607_608del, p.Trp203fs (NM_001406747.1, NM_001406749.1); c.484_485del, p.Trp162fs (NM_001406748.1); c.300+6237_300+6238del (NM_001199973.2); c.177+9872_177+9873del (NM_001199974.2); short protein forms W162fs, W203fs.
Identifiers: ClinVar variation 4277271 (VCV004277271.1).

ClinVar aggregate classification (germline): Likely pathogenic (1 of 4 stars; one submission).

Conditions:
Fabry disease. Also called: Fabry's disease; ALPHA-GALACTOSIDASE A DEFICIENCY; ANDERSON-FABRY DISEASE; CERAMIDE TRIHEXOSIDASE DEFICIENCY; GLA DEFICIENCY; HEREDITARY DYSTOPIC LIPIDOSIS. Identifiers: Orphanet 324, MedGen C0002986, MONDO:0010526, OMIM 301500, HP:0001071. Disease mechanism: Fabry disease is due to inactivating mutations in the X-linked GLA gene resulting in deficiency of the enzyme Alpha Galactosidase-A., loss of function.

Submission:

MVZ Medizinische Genetik Mainz
Classification: Likely pathogenic for Fabry disease. Last evaluated: 2025-08-19. Review status: criteria provided, single submitter. Criteria: UK Practice Guidelines For Variant Classification V4 01 2020. Collection method: clinical testing. Allele origin: germline. Inheritance: X-linked dominant inheritance. Affected: yes. Observed: 1 variant allele.
Comment: ACMG Criteria: PVS1,PM2_SUP